The following is an entry in ClinVar:

ClinVar aggregate classification (germline): Likely benign (1 of 4 stars; one submission).

Allele frequency attached by ClinVar (database versions not stated): TOPMed below 0.00001.
gnomAD v4.1: 2 of 1,549,346 alleles (0.00013%); highest among the groups gnomAD compares: Non-Finnish European, 0.00017%; no homozygotes.

Submission:

Women's Health and Genetics/Laboratory Corporation of America, LabCorp
Classification: Likely benign. Last evaluated: 2023-08-22. Review status: criteria provided, single submitter. Criteria: LabCorp Variant Classification Summary - May 2015. Collection method: clinical testing. Allele origin: germline.
Comment: Variant summary: TRIOBP c.6325-9G>C alters a non-conserved nucleotide located at a position not widely known to affect splicing. 4/4 computational tools predict no significant impact on normal splicing. However, these predictions have yet to be confirmed by functional studies. The variant allele was found at a frequency of 6.5e-06 in 153260 control chromosomes (gnomAD). The available data on variant occurrences in the general population are insufficient to allow any conclusion about variant significance. To our knowledge, no occurrence of c.6325-9G>C in individuals affected with Autosomal Recessive Nonsyndromic Hearing Loss 28 and no experimental evidence demonstrating its impact on protein function have been reported. No submitters have cited clinical-significance assessments for this variant to ClinVar after 2014. Based on the evidence outlined above, the variant was classified as likely benign.

NM_001039141.3(TRIOBP):c.6325-9G>C

Gene: TRIOBP (TRIO and F-actin binding protein; plus strand). Cytogenetic location: 22q13.1.
Variant type: single nucleotide variant.
Coding change: c.6325-9G>C on transcript NM_001039141.3 (MANE Select); 9 bases into the intron before coding-DNA position 6325, G replaced by C.
Molecular consequence: intron variant.
Genome position (GRCh38, 1-based): chr22:37,765,661, G>C. VCF-style: chr22-37765661-G-C. GRCh37 (hg19) VCF-style: chr22-38161668-G-C.
Other names: c.1186-9G>C (NM_007032.5).
Identifiers: ClinVar variation 2581286 (VCV002581286.1), dbSNP rs1458434005, ClinGen allele CA639201497.
Genomic context (GRCh38, chr22:37,765,661, plus strand): 5'-GGAGGCTGGGGAAGGGCCGCTGTCCAGAGGAACGGGGCAGCCTGTGACACCCTGGCGTCC[G>C]GCCCACAGGAGGCATGTGAGCGCAGCCTGGCAGAGATGGAGTCCTCGCACCAGCAGGTGA-3'